The following is an entry in ClinVar:

NM_033100.4(CDHR1):c.17G>A (p.Trp6Ter)

Gene: CDHR1 (cadherin related family member 1; plus strand). Cytogenetic location: 10q23.1.
Variant type: single nucleotide variant.
Coding change: c.17G>A on transcript NM_033100.4 (MANE Select); coding-DNA position 17, G replaced by A.
Protein change: p.Trp6Ter; replaces tryptophan 6 with a stop codon.
Molecular consequence: nonsense.
Genome position (GRCh38, 1-based): chr10:84,194,777, G>A. VCF-style: chr10-84194777-G-A. GRCh37 (hg19) VCF-style: chr10-85954533-G-A.
Other names: c.17G>A, p.Trp6Ter (NM_001171971.3); short protein forms W6*.
Identifiers: ClinVar variation 2796135 (VCV002796135.3), dbSNP rs1461691786, ClinGen allele CA377369100.

ClinVar aggregate classification (germline): Pathogenic (1 of 4 stars; one submission).

Allele frequency attached by ClinVar (database versions not stated): gnomAD exomes below 0.00001; TOPMed below 0.00001.

Submission:

Labcorp Genetics (formerly Invitae), Labcorp
Classification: Pathogenic. Last evaluated: 2023-06-06. Review status: criteria provided, single submitter. Criteria: Invitae Variant Classification Sherloc (09022015). Collection method: clinical testing. Allele origin: germline.
Comment: This sequence change creates a premature translational stop signal (p.Trp6*) in the CDHR1 gene. It is expected to result in an absent or disrupted protein product. Loss-of-function variants in CDHR1 are known to be pathogenic (PMID: 23044944, 23591405, 26103963, 26261414). This variant is not present in population databases (gnomAD no frequency). This premature translational stop signal has been observed in individual(s) with inherited retinal dystrophy (PMID: 31387115). Algorithms developed to predict the effect of sequence changes on RNA splicing suggest that this variant may create or strengthen a splice site. For these reasons, this variant has been classified as Pathogenic.

Literature cited by the submitters: PubMed 23044944; PubMed 23591405; PubMed 26103963; PubMed 26261414; PubMed 31387115.